The following is an entry in ClinVar:

ClinVar aggregate classification (germline): Uncertain significance. Review status: criteria provided, multiple submitters, no conflicts (2 of 4 stars). 3 submissions from 3 submitters: Uncertain significance (3). Last evaluated 2026-08-20.

Conditions:
Hereditary cancer-predisposing syndrome. Also called: Tumor predisposition; Hereditary Cancer Syndrome; Hereditary neoplastic syndrome; Neoplastic Syndromes, Hereditary. Identifiers: Orphanet 140162, MedGen C0027672, MeSH D009386, MONDO:0015356.
Tuberous sclerosis 1 (TSC1). Identifiers: Orphanet 805, MedGen C1854465, MONDO:0008612, OMIM 191100.
Isolated focal cortical dysplasia type II (FCORD2). Also called: Focal cortical dysplasia type II; CORTICAL DYSPLASIA OF TAYLOR. Identifiers: Orphanet 268994, MedGen C1846385, MONDO:0011818, OMIM 607341, HP:0032051.

Submissions (3):

Ambry Genetics
Classification: Uncertain significance for Hereditary cancer-predisposing syndrome. Last evaluated: 2026-08-20. Review status: criteria provided, single submitter. Criteria: Ambry Variant Classification Scheme 2023. Collection method: clinical testing. Allele origin: germline.
Comment: The p.P311H variant (also known as c.932C>A), located in coding exon 8 of the TSC1 gene, results from a C to A substitution at nucleotide position 932. The proline at codon 311 is replaced by histidine, an amino acid with similar properties. This amino acid position is highly conserved in available vertebrate species. In addition, this alteration is predicted to be deleterious by in silico analysis. Based on the available evidence, the clinical significance of this variant remains unclear.

Labcorp Genetics (formerly Invitae), Labcorp
Classification: Uncertain significance for Tuberous sclerosis 1. Last evaluated: 2024-07-03. Review status: criteria provided, single submitter. Criteria: Invitae Variant Classification Sherloc (09022015). Collection method: clinical testing. Allele origin: germline.
Comment: This sequence change replaces proline, which is neutral and non-polar, with histidine, which is basic and polar, at codon 311 of the TSC1 protein (p.Pro311His). This variant is not present in population databases (gnomAD no frequency). This variant has not been reported in the literature in individuals affected with TSC1-related conditions. ClinVar contains an entry for this variant (Variation ID: 1022914). Advanced modeling of protein sequence and biophysical properties (such as structural, functional, and spatial information, amino acid conservation, physicochemical variation, residue mobility, and thermodynamic stability) performed at Invitae indicates that this missense variant is not expected to disrupt TSC1 protein function with a negative predictive value of 95%. In summary, the available evidence is currently insufficient to determine the role of this variant in disease. Therefore, it has been classified as a Variant of Uncertain Significance.

Baylor Genetics
Classification: Uncertain significance for Isolated focal cortical dysplasia type II. Last evaluated: 2024-02-10. Review status: criteria provided, single submitter. Criteria: ACMG Guidelines, 2015. Collection method: clinical testing. Allele origin: unknown.

NM_000368.5(TSC1):c.932C>A (p.Pro311His)

Gene: TSC1 (TSC complex subunit 1; minus strand). Cytogenetic location: 9q34.13.
Variant type: single nucleotide variant.
Coding change: c.932C>A on transcript NM_000368.5 (MANE Select); coding-DNA position 932, C replaced by A.
Protein change: p.Pro311His; replaces proline 311 with histidine.
Molecular consequence: missense variant.
Genome position (GRCh38, 1-based): chr9:132,911,550, G>T on the plus strand (C>A on the coding strand, the complement: TSC1 is on the minus strand). VCF-style: chr9-132911550-G-T. GRCh37 (hg19) VCF-style: chr9-135786937-G-T.
Other names: c.932C>A, p.Pro311His (NM_001162426.2); c.779C>A, p.Pro260His (NM_001162427.2); c.569C>A, p.Pro190His (NM_001362177.2); c.932C>A (NM_000368.4); short protein forms P190H, P260H, P311H.
Identifiers: ClinVar variation 1022914 (VCV001022914.11), dbSNP rs776158460, ClinGen allele CA375368727.